The following is an entry in ClinVar:

ClinVar aggregate classification (germline): Uncertain significance (1 of 4 stars; one submission).

Conditions:
Familial colorectal cancer. Identifiers: MedGen CN280943, MONDO:0023113. Disease mechanism: loss of function.

Submission:

Labcorp Genetics (formerly Invitae), Labcorp
Classification: Uncertain significance for Familial colorectal cancer. Last evaluated: 2022-08-23. Review status: criteria provided, single submitter. Criteria: Invitae Variant Classification Sherloc (09022015). Collection method: clinical testing. Allele origin: germline.
Comment: This variant results in a copy number gain of the genomic region encompassing the promoter of the GREM1 gene. The precise boundaries of this event are unknown. Two different tandem duplications (40 kb and 16 kb) spanning the 3' end of the SCG5 gene and the region upstream of the GREM1 gene have been reported in families with hereditary mixed polyposis syndrome (PMID: 22561515, 25992589, 26493165). However, the gain identified in this individual is different from those variants, and therefore the impact of the additional duplicated sequences on GREM1 expression and function has not been established. In summary, the available evidence is currently insufficient to determine the role of this variant in disease. Therefore, it has been classified as a Variant of Uncertain Significance.

Literature cited by the submitters: PubMed 22561515; PubMed 25992589; PubMed 26493165.

NC_000015.9:g.(?_32393486)_(34030811_?)dup

Genes: RYR3 (ryanodine receptor 3; plus strand), ARHGAP11A (Rho GTPase activating protein 11A; plus strand), CHRNA7 (cholinergic receptor nicotinic alpha 7 subunit), GOLGA8N (golgin A8 family member N; plus strand), GOLGA8O (golgin A8 family member O; minus strand) and 2 more. Cytogenetic location: 15q13.3-14.
Variant type: Duplication.
Identifiers: ClinVar variation 2425859 (VCV002425859.2).